The following is an entry in ClinVar:

NM_004281.4(BAG3):c.577A>G (p.Arg193Gly)

Gene: BAG3 (BAG cochaperone 3; plus strand). Cytogenetic location: 10q26.11.
Variant type: single nucleotide variant.
Coding change: c.577A>G on transcript NM_004281.4 (MANE Select); coding-DNA position 577, A replaced by G.
Protein change: p.Arg193Gly; replaces arginine 193 with glycine.
Molecular consequence: missense variant.
Genome position (GRCh38, 1-based): chr10:119,672,324, A>G. VCF-style: chr10-119672324-A-G. GRCh37 (hg19) VCF-style: chr10-121431836-A-G.
Other names: short protein forms R193G.
Identifiers: ClinVar variation 1749592 (VCV001749592.5), dbSNP rs2494013607, ClinGen allele CA378295369.
Genomic context (GRCh38, chr10:119,672,324, plus strand): 5'-TCTCCAGCTGCCTCTGACTGCTCATCCTCATCCTCCTCGGCCAGCCTGCCTTCCTCCGGC[A>G]GGAGCAGCCTGGGCAGTCACCAGCTCCCGCGGGGGTACATCTCCATTCCGGTGATACACG-3'
Protein context (NP_004272.2, residues 183-203): SSSASLPSSG[Arg193Gly]SSLGSHQLPR

ClinVar aggregate classification (germline): Uncertain significance. Review status: criteria provided, multiple submitters, no conflicts (2 of 4 stars). 2 submissions from 2 submitters: Uncertain significance (2). Last evaluated 2025-08-28.

Conditions:
Dilated cardiomyopathy 1HH (CMD1HH). Identifiers: Orphanet 154, MedGen C3151293, MONDO:0013479, OMIM 613881.
Myofibrillar myopathy 6. Identifiers: Orphanet 199340, MedGen C2751831, MONDO:0013061, OMIM 612954.
Cardiovascular phenotype. Identifiers: MedGen CN230736.

Submissions (2):

Ambry Genetics
Classification: Uncertain significance for Cardiovascular phenotype. Last evaluated: 2025-08-28. Review status: criteria provided, single submitter. Criteria: Ambry Variant Classification Scheme 2023. Collection method: clinical testing. Allele origin: germline.

Labcorp Genetics (formerly Invitae), Labcorp
Classification: Uncertain significance for Dilated cardiomyopathy 1HH; Myofibrillar myopathy 6. Last evaluated: 2024-08-07. Review status: criteria provided, single submitter. Criteria: Invitae Variant Classification Sherloc (09022015). Collection method: clinical testing. Allele origin: germline.
Comment: This sequence change replaces arginine, which is basic and polar, with glycine, which is neutral and non-polar, at codon 193 of the BAG3 protein (p.Arg193Gly). This variant is not present in population databases (gnomAD no frequency). This variant has not been reported in the literature in individuals affected with BAG3-related conditions. ClinVar contains an entry for this variant (Variation ID: 1749592). Advanced modeling of protein sequence and biophysical properties (such as structural, functional, and spatial information, amino acid conservation, physicochemical variation, residue mobility, and thermodynamic stability) performed at Invitae indicates that this missense variant is not expected to disrupt BAG3 protein function with a negative predictive value of 80%. In summary, the available evidence is currently insufficient to determine the role of this variant in disease. Therefore, it has been classified as a Variant of Uncertain Significance.